The following is an entry in ClinVar:

ClinVar aggregate classification (germline): Benign/Likely benign. Review status: criteria provided, multiple submitters, no conflicts (2 of 4 stars). 4 submissions from 4 submitters: Benign (2); Likely benign (2). Last evaluated 2026-01-27.

Conditions:
ALG12-congenital disorder of glycosylation (CDG1G). Also called: CDG Ig; Congenital disorder of glycosylation, type Ig; ALG12-CDG. Identifiers: Orphanet 79324, MedGen C2931001, MONDO:0011783, OMIM 607143.

Allele frequency attached by ClinVar (database versions not stated): ExAC 0.00162; 1000 Genomes Project 30x 0.00312; gnomAD 0.00516 and 0.00466; ESP Exome Variant Server 0.00577; gnomAD exomes 0.00054 and 0.00127; 1000 Genomes Project 0.00300; TOPMed 0.00523.
gnomAD v4.1: 1,516 of 1,614,122 alleles (0.094%); highest among the groups gnomAD compares: African/African-American, 1.7%; 8 homozygotes.

Submissions (13):

Labcorp Genetics (formerly Invitae), Labcorp
Classification: Benign for ALG12-congenital disorder of glycosylation. Last evaluated: 2026-01-27. Review status: criteria provided, single submitter. Criteria: Invitae Variant Classification Sherloc (09022015). Collection method: clinical testing. Allele origin: germline.

Illumina Laboratory Services, Illumina
Classification: Likely benign for ALG12-congenital disorder of glycosylation. Last evaluated: 2018-01-13. Review status: criteria provided, single submitter. Criteria: ICSL Variant Classification Criteria 13 December 2019. Collection method: clinical testing. Allele origin: germline.
Comment: This variant was observed in the ICSL laboratory as part of a predisposition screen in an ostensibly healthy population. It had not been previously curated by ICSL or reported in the Human Gene Mutation Database (HGMD: prior to June 1st, 2018), and was therefore a candidate for classification through an automated scoring system. Utilizing variant allele frequency, disease prevalence and penetrance estimates, and inheritance mode, an automated score was calculated to assess if this variant is too frequent to cause the disease. Based on the score and internal cut-off values, a variant classified as likely benign is not then subjected to further curation. The score for this variant resulted in a classification of likely benign for this disease.

Eurofins Ntd Llc (ga)
Classification: Benign. Last evaluated: 2013-02-15. Review status: criteria provided, single submitter. Criteria: EGL Classification Definitions 2015. Collection method: clinical testing. Allele origin: germline. Observed: 1 variant allele, 1 heterozygote.

Breakthrough Genomics
Classification: Likely benign. Review status: criteria provided, single submitter. Criteria: ACMG Guidelines, 2015. Collection method: not provided. Allele origin: germline. Inheritance: Autosomal recessive inheritance. Affected: yes.

Dr. Peter K. Rogan Lab, Western University
No classification provided (evidence only). Condition: Clear cell carcinoma of kidney. Review status: no classification provided. Collection method: in vitro. Allele origin: not applicable. Functional consequence: retained intron. Not counted in ClinVar's aggregate classification.

Dr. Peter K. Rogan Lab, Western University
No classification provided (evidence only). Condition: Clear cell carcinoma of kidney. Review status: no classification provided. Collection method: in vitro. Allele origin: not applicable. Functional consequence: retained intron. Not counted in ClinVar's aggregate classification.

Dr. Peter K. Rogan Lab, Western University
No classification provided (evidence only). Condition: Lung cancer. Review status: no classification provided. Collection method: in vitro. Allele origin: not applicable. Functional consequence: retained intron. Not counted in ClinVar's aggregate classification.

Dr. Peter K. Rogan Lab, Western University
No classification provided (evidence only). Condition: Uterine corpus endometrial carcinoma. Review status: no classification provided. Collection method: in vitro. Allele origin: not applicable. Functional consequence: retained intron. Not counted in ClinVar's aggregate classification.

Dr. Peter K. Rogan Lab, Western University
No classification provided (evidence only). Condition: Uterine corpus endometrial carcinoma. Review status: no classification provided. Collection method: in vitro. Allele origin: not applicable. Functional consequence: retained intron. Not counted in ClinVar's aggregate classification.

Dr. Peter K. Rogan Lab, Western University
No classification provided (evidence only). Condition: Cervical cancer. Review status: no classification provided. Collection method: in vitro. Allele origin: not applicable. Functional consequence: retained intron. Not counted in ClinVar's aggregate classification.

Dr. Peter K. Rogan Lab, Western University
No classification provided (evidence only). Condition: Cervical cancer. Review status: no classification provided. Collection method: in vitro. Allele origin: not applicable. Functional consequence: retained intron. Not counted in ClinVar's aggregate classification.

Dr. Peter K. Rogan Lab, Western University
No classification provided (evidence only). Condition: Thymoma. Review status: no classification provided. Collection method: in vitro. Allele origin: not applicable. Functional consequence: retained intron. Not counted in ClinVar's aggregate classification.

Dr. Peter K. Rogan Lab, Western University
No classification provided (evidence only). Condition: Gastric cancer. Review status: no classification provided. Collection method: in vitro. Allele origin: not applicable. Functional consequence: retained intron. Not counted in ClinVar's aggregate classification.

NM_024105.4(ALG12):c.698G>A (p.Arg233Gln)

Gene: ALG12 (ALG12 alpha-1,6-mannosyltransferase; minus strand). Cytogenetic location: 22q13.33.
Variant type: single nucleotide variant.
Coding change: c.698G>A on transcript NM_024105.4 (MANE Select); coding-DNA position 698, G replaced by A.
Protein change: p.Arg233Gln; replaces arginine 233 with glutamine.
Molecular consequence: missense variant.
Genome position (GRCh38, 1-based): chr22:49,909,314, C>T on the plus strand (G>A on the coding strand, the complement: ALG12 is on the minus strand). VCF-style: chr22-49909314-C-T. GRCh37 (hg19) VCF-style: chr22-50302962-C-T.
Other names: short protein forms R233Q.
Identifiers: ClinVar variation 96100 (VCV000096100.56), dbSNP rs114264124, ClinGen allele CA149240.